The following is an entry in ClinVar:

NM_001289808.2(CRYAB):c.120G>A (p.Thr40=)

Gene: CRYAB (crystallin alpha B; minus strand). Cytogenetic location: 11q23.1.
Variant type: single nucleotide variant.
Coding change: c.120G>A on transcript NM_001289808.2 (MANE Select); coding-DNA position 120, G replaced by A.
Protein change: p.Thr40=; no amino-acid change (threonine 40 retained).
Molecular consequence: synonymous variant.
Genome position (GRCh38, 1-based): chr11:111,911,605, C>T on the plus strand (G>A on the coding strand, the complement: CRYAB is on the minus strand). VCF-style: chr11-111911605-C-T. GRCh37 (hg19) VCF-style: chr11-111782329-C-T.
Other names: c.120G>A, p.Thr40= (NM_001289807.1, NM_001368245.1, NM_001885.3).
Identifiers: ClinVar variation 477730 (VCV000477730.13), dbSNP rs374981255, ClinGen allele CA6275568.

ClinVar aggregate classification (germline): Likely benign. Review status: criteria provided, multiple submitters, no conflicts (2 of 4 stars). 4 submissions from 4 submitters: Likely benign (4). Last evaluated 2026-02-03.

Conditions:
Dilated cardiomyopathy 1II (CMD1II). Identifiers: Orphanet 154, MedGen C3554649, MONDO:0014073, OMIM 615184.
Cardiovascular phenotype. Identifiers: MedGen CN230736.

Allele frequency attached by ClinVar (database versions not stated): gnomAD exomes 0.00001 and 0.00002; ExAC 0.00003; gnomAD 0.00006 and 0.00007; TOPMed 0.00006; ESP Exome Variant Server 0.00008.
gnomAD v4.1: 24 of 1,613,058 alleles (0.0015%); highest among the groups gnomAD compares: African/African-American, 0.016%; no homozygotes.

Submissions (4):

Labcorp Genetics (formerly Invitae), Labcorp
Classification: Likely benign for Dilated cardiomyopathy 1II. Last evaluated: 2026-02-03. Review status: criteria provided, single submitter. Criteria: Invitae Variant Classification Sherloc (09022015). Collection method: clinical testing. Allele origin: germline.

Blueprint Genetics
Classification: Likely benign. Last evaluated: 2023-12-28. Review status: criteria provided, single submitter. Criteria: ACMG Guidelines, 2015. Collection method: clinical testing. Allele origin: germline.

Ambry Genetics
Classification: Likely benign for Cardiovascular phenotype. Last evaluated: 2022-08-17. Review status: criteria provided, single submitter. Criteria: Ambry Variant Classification Scheme 2023. Collection method: clinical testing. Allele origin: germline.

GeneDx
Classification: Likely benign. Last evaluated: 2017-02-27. Review status: criteria provided, single submitter. Criteria: GeneDx Variant Classification (06012015). Collection method: clinical testing. Allele origin: germline. Affected: yes.
Comment: This variant is considered likely benign or benign based on one or more of the following criteria: it is a conservative change, it occurs at a poorly conserved position in the protein, it is predicted to be benign by multiple in silico algorithms, and/or has population frequency not consistent with disease.